The following is an entry in ClinVar:

NM_000245.4(MET):c.4144C>G (p.Arg1382Gly)

Gene: MET (MET proto-oncogene, receptor tyrosine kinase; plus strand). Cytogenetic location: 7q31.2.
Variant type: single nucleotide variant.
Coding change: c.4144C>G on transcript NM_000245.4 (MANE Select); coding-DNA position 4144, C replaced by G.
Protein change: p.Arg1382Gly; replaces arginine 1382 with glycine.
Molecular consequence: missense variant.
Genome position (GRCh38, 1-based): chr7:116,796,095, C>G. VCF-style: chr7-116796095-C-G. GRCh37 (hg19) VCF-style: chr7-116436149-C-G.
Other names: c.4198C>G, p.Arg1400Gly (NM_001127500.3); c.2854C>G, p.Arg952Gly (NM_001324402.2); short protein forms R1400G, R952G, R1382G.
Identifiers: ClinVar variation 824660 (VCV000824660.4), dbSNP rs200315561, ClinGen allele CA369118485.

ClinVar aggregate classification (germline): Uncertain significance (1 of 4 stars; one submission).

Conditions:
Hereditary cancer-predisposing syndrome. Also called: Neoplastic Syndromes, Hereditary; Tumor predisposition; Hereditary neoplastic syndrome; Hereditary Cancer Syndrome. Identifiers: Orphanet 140162, MedGen C0027672, MeSH D009386, MONDO:0015356.

Submission:

Ambry Genetics
Classification: Uncertain significance for Hereditary cancer-predisposing syndrome. Last evaluated: 2019-03-29. Review status: criteria provided, single submitter. Criteria: Ambry Variant Classification Scheme 2023. Collection method: clinical testing. Allele origin: germline.
Comment: The p.R1400G variant (also known as c.4198C>G), located in coding exon 20 of the MET gene, results from a C to G substitution at nucleotide position 4198. The arginine at codon 1400 is replaced by glycine, an amino acid with dissimilar properties. This amino acid position is poorly conserved in available vertebrate species. In addition, this alteration is predicted to be tolerated by in silico analysis. Since supporting evidence is limited at this time, the clinical significance of this alteration remains unclear.